The following is an entry in ClinVar:

ClinVar aggregate classification (germline): Uncertain significance (1 of 4 stars; one submission).

Submission:

CeGaT Center for Human Genetics Tuebingen
Classification: Uncertain significance. Last evaluated: 2025-07-01. Review status: criteria provided, single submitter. Criteria: CeGaT Center For Human Genetics Tuebingen Variant Classification Criteria Version 2. Collection method: clinical testing. Allele origin: germline. Affected: yes. Observed: 1 variant allele.
Comment: ZSWIM6: PM2, BP4

NM_020928.2(ZSWIM6):c.2419C>T (p.Leu807Phe)

Gene: ZSWIM6 (zinc finger SWIM-type containing 6; plus strand). Cytogenetic location: 5q12.1.
Variant type: single nucleotide variant.
Coding change: c.2419C>T on transcript NM_020928.2 (MANE Select); coding-DNA position 2419, C replaced by T.
Protein change: p.Leu807Phe; replaces leucine 807 with phenylalanine.
Molecular consequence: missense variant.
Genome position (GRCh38, 1-based): chr5:61,538,851, C>T. VCF-style: chr5-61538851-C-T. GRCh37 (hg19) VCF-style: chr5-60834678-C-T.
Other names: short protein forms L807F.
Identifiers: ClinVar variation 4084712 (VCV004084712.8).